The following is an entry in ClinVar:

NM_002878.4(RAD51D):c.708C>T (p.Thr236=)

Genes: RAD51D (RAD51 paralog D; minus strand), RAD51L3-RFFL (RAD51L3-RFFL readthrough; minus strand). Cytogenetic location: 17q12.
Variant type: single nucleotide variant.
Coding change: c.708C>T on transcript NM_002878.4 (MANE Select); coding-DNA position 708, C replaced by T.
Protein change: p.Thr236=; no amino-acid change (threonine 236 retained).
Molecular consequence: synonymous variant. On other transcripts: non-coding transcript variant (3).
Genome position (GRCh38, 1-based): chr17:35,103,284, G>A on the plus strand (C>T on the coding strand, the complement: RAD51D is on the minus strand). VCF-style: chr17-35103284-G-A. GRCh37 (hg19) VCF-style: chr17-33430303-G-A.
Other names: c.768C>T, p.Thr256= (NM_001142571.2); c.372C>T, p.Thr124= (NM_133629.3).
Identifiers: ClinVar variation 3026716 (VCV003026716.22), dbSNP rs1393289643, ClinGen allele CA499730398.

ClinVar aggregate classification (germline): Benign/Likely benign. Review status: criteria provided, multiple submitters, no conflicts (2 of 4 stars). 2 submissions from 2 submitters: Benign (1); Likely benign (1). Last evaluated 2025-02-24.

Conditions:
Breast-ovarian cancer, familial, susceptibility to, 4. Identifiers: Orphanet 145, MedGen C3280345, MONDO:0013669, OMIM 614291.

Allele frequency attached by ClinVar (database versions not stated): gnomAD exomes below 0.00001.
gnomAD v4.1: 1 of 1,611,684 alleles (0.000062%); highest among the groups gnomAD compares: South Asian, 0.0011%; no homozygotes.

Submissions (2):

Myriad Genetics, Inc.
Classification: Benign for Breast-ovarian cancer, familial, susceptibility to, 4. Last evaluated: 2025-02-24. Review status: criteria provided, single submitter. Criteria: Myriad Autosomal Dominant, Autosomal Recessive and X-Linked Classification Criteria (2023). Collection method: clinical testing. Allele origin: unknown.
Comment: This variant is considered benign. This variant is a silent/synonymous amino acid change and it is not expected to impact splicing.

CeGaT Center for Human Genetics Tuebingen
Classification: Likely benign. Last evaluated: 2023-12-01. Review status: criteria provided, single submitter. Criteria: CeGaT Center For Human Genetics Tuebingen Variant Classification Criteria Version 2. Collection method: clinical testing. Allele origin: germline. Affected: yes. Observed: 1 variant allele.
Comment: RAD51D: BP4, BP7